The following is an entry in ClinVar:

ClinVar aggregate classification (germline): Uncertain significance (1 of 4 stars; one submission).

Allele frequency attached by ClinVar (database versions not stated): gnomAD exomes below 0.00001; ExAC 0.00001.
gnomAD v4.1: 1 of 1,612,876 alleles (0.000062%); highest among the groups gnomAD compares: East Asian, 0.0022%; no homozygotes.

Submission:

Labcorp Genetics (formerly Invitae), Labcorp
Classification: Uncertain significance. Last evaluated: 2026-01-26. Review status: criteria provided, single submitter. Criteria: Invitae Variant Classification Sherloc (09022015). Collection method: clinical testing. Allele origin: germline.
Comment: This sequence change replaces cysteine, which is neutral and slightly polar, with arginine, which is basic and polar, at codon 14 of the ALPK1 protein (p.Cys14Arg). This variant is present in population databases (rs759431854, gnomAD 0.006%). This variant has not been reported in the literature in individuals affected with ALPK1-related conditions. ClinVar contains an entry for this variant (Variation ID: 2820606). An algorithm developed to predict the effect of missense changes on protein structure and function (PolyPhen-2) suggests that this variant is likely to be disruptive. In summary, the available evidence is currently insufficient to determine the role of this variant in disease. Therefore, it has been classified as a Variant of Uncertain Significance.

NM_025144.4(ALPK1):c.40T>C (p.Cys14Arg)

Gene: ALPK1 (alpha kinase 1; plus strand). Cytogenetic location: 4q25.
Variant type: single nucleotide variant.
Coding change: c.40T>C on transcript NM_025144.4 (MANE Select); coding-DNA position 40, T replaced by C.
Protein change: p.Cys14Arg; replaces cysteine 14 with arginine.
Molecular consequence: missense variant. On other transcripts: 5 prime UTR variant (1).
Genome position (GRCh38, 1-based): chr4:112,377,817, T>C. VCF-style: chr4-112377817-T-C. GRCh37 (hg19) VCF-style: chr4-113298973-T-C.
Other names: c.40T>C, p.Cys14Arg (NM_001102406.2); c.-40T>C (NM_001253884.2); short protein forms C14R.
Identifiers: ClinVar variation 2820606 (VCV002820606.3), dbSNP rs759431854, ClinGen allele CA3046231.